The following is an entry in ClinVar:

ClinVar aggregate classification (germline): Uncertain significance (1 of 4 stars; one submission).

Allele frequency attached by ClinVar (database versions not stated): TOPMed below 0.00001; gnomAD exomes 0.00001.
gnomAD v4.1: 11 of 1,613,794 alleles (0.00068%); highest among the groups gnomAD compares: East Asian, 0.022%; no homozygotes.

Submission:

Ambry Genetics
Classification: Uncertain significance. Last evaluated: 2022-11-19. Review status: criteria provided, single submitter. Criteria: Ambry Variant Classification Scheme 2023. Collection method: clinical testing. Allele origin: germline.
Comment: The p.K410T variant (also known as c.1229A>C), located in coding exon 8 of the MYOM1 gene, results from an A to C substitution at nucleotide position 1229. The lysine at codon 410 is replaced by threonine, an amino acid with similar properties. This amino acid position is conserved. In addition, this alteration is predicted to be tolerated by in silico analysis. Since supporting evidence is limited at this time, the clinical significance of this alteration remains unclear.

NM_003803.4(MYOM1):c.1229A>C (p.Lys410Thr)

Gene: MYOM1 (myomesin 1; minus strand). Cytogenetic location: 18p11.31.
Variant type: single nucleotide variant.
Coding change: c.1229A>C on transcript NM_003803.4 (MANE Select); coding-DNA position 1229, A replaced by C.
Protein change: p.Lys410Thr; replaces lysine 410 with threonine.
Molecular consequence: missense variant.
Genome position (GRCh38, 1-based): chr18:3,168,927, T>G on the plus strand (A>C on the coding strand, the complement: MYOM1 is on the minus strand). VCF-style: chr18-3168927-T-G. GRCh37 (hg19) VCF-style: chr18-3168925-T-G.
Other names: c.1229A>C, p.Lys410Thr (NM_019856.2); short protein forms K410T.
Identifiers: ClinVar variation 2447665 (VCV002447665.2), dbSNP rs1190459631, ClinGen allele CA401715343.
Genomic context (GRCh38, chr18:3,168,927, plus strand): 5'-ATGACAACACGACAGCCTAGACTCATTGTCTCTCCCTCTCTCCCAAAAGACACATCAAAT[T>G]TGTCATCAAAGTGGATCTCAAACCGGGATGCATAACCATATGGGGTCACACCAACTGGGT-3'
Protein context (NP_003794.3, residues 400-420): ASRFEIHFDD[Lys410Thr]FDVSFGREGE